The following is an entry in ClinVar:

ClinVar aggregate classification (germline): Benign/Likely benign. Review status: criteria provided, multiple submitters, no conflicts (2 of 4 stars). 8 submissions from 8 submitters: Benign (5); Likely benign (2). 1 of the submissions does not count toward it. Last evaluated 2026-06-05.

Conditions:
Achondrogenesis, type IA (ACG1A). Identifiers: Orphanet 932, Orphanet 93299, MedGen C0265273, MONDO:0008701, OMIM 200600.
Connective tissue disorder. Also called: Connective tissue disease. Identifiers: MedGen C0009782, MONDO:0003900.
TRIP11-related disorder. Also called: TRIP11-related condition; TRIP11-Related Disorders.

Allele frequency attached by ClinVar (database versions not stated): gnomAD exomes 0.00215 and 0.00087; TOPMed 0.00937; 1000 Genomes Project 0.01058; ExAC 0.00267; gnomAD 0.00843 and 0.00895; ESP Exome Variant Server 0.00907; 1000 Genomes Project 30x 0.01077.
gnomAD v4.1: 2,624 of 1,613,450 alleles (0.16%); highest among the groups gnomAD compares: African/African-American, 3.1%; 25 homozygotes.

Submissions (8):

Women's Health and Genetics/Laboratory Corporation of America, LabCorp
Classification: Likely benign. Last evaluated: 2026-06-05. Review status: criteria provided, single submitter. Criteria: LabCorp Variant Classification Summary - May 2015. Collection method: clinical testing. Allele origin: germline.
Comment: Variant summary: TRIP11 c.5651A>G (p.His1884Arg) results in a non-conservative amino acid change in the encoded protein sequence. Algorithms developed to predict the effect of missense changes on protein structure and function are either unavailable or do not agree on the potential impact of this missense change. The variant allele was found at a frequency of 0.0021 in 250714 control chromosomes, predominantly at a frequency of 0.03 within the African or African-American subpopulation in the gnomAD database, including 5 homozygotes. The observed variant frequency within African or African-American control individuals in the gnomAD database exceeds the estimated maximal expected allele frequency for disease-causing variants in TRIP11. To our knowledge, no occurrence of c.5651A>G in individuals affected with TRIP11-related conditions and no experimental evidence demonstrating its impact on protein function have been reported. ClinVar contains an entry for this variant (Variation ID: 314929). Based on the evidence outlined above, the variant was classified as likely benign.

Labcorp Genetics (formerly Invitae), Labcorp
Classification: Benign for Achondrogenesis, type IA. Last evaluated: 2026-01-28. Review status: criteria provided, single submitter. Criteria: Invitae Variant Classification Sherloc (09022015). Collection method: clinical testing. Allele origin: germline.

ARUP Laboratories, Molecular Genetics and Genomics, ARUP Laboratories
Classification: Benign. Last evaluated: 2023-11-06. Review status: criteria provided, single submitter. Criteria: ARUP Molecular Germline Variant Investigation Process 2024. Collection method: clinical testing. Allele origin: germline.

Genome Diagnostics Laboratory, The Hospital for Sick Children
Classification: Likely benign for Connective tissue disorder. Last evaluated: 2020-05-01. Review status: criteria provided, single submitter. Criteria: ACMG Guidelines, 2015. Collection method: clinical testing. Allele origin: germline.

Illumina Laboratory Services, Illumina
Classification: Benign for Achondrogenesis, type IA. Last evaluated: 2018-01-13. Review status: criteria provided, single submitter. Criteria: ICSL Variant Classification Criteria 13 December 2019. Collection method: clinical testing. Allele origin: germline.
Comment: This variant was observed in the ICSL laboratory as part of a predisposition screen in an ostensibly healthy population. It had not been previously curated by ICSL or reported in the Human Gene Mutation Database (HGMD: prior to June 1st, 2018), and was therefore a candidate for classification through an automated scoring system. Utilizing variant allele frequency, disease prevalence and penetrance estimates, and inheritance mode, an automated score was calculated to assess if this variant is too frequent to cause the disease. Based on the score and internal cut-off values, a variant classified as benign is not then subjected to further curation. The score for this variant resulted in a classification of benign for this disease.

GeneDx
Classification: Benign. Last evaluated: 2016-11-04. Review status: criteria provided, single submitter. Criteria: GeneDx Variant Classification (06012015). Collection method: clinical testing. Allele origin: germline. Affected: yes.
Comment: This variant is considered likely benign or benign based on one or more of the following criteria: it is a conservative change, it occurs at a poorly conserved position in the protein, it is predicted to be benign by multiple in silico algorithms, and/or has population frequency not consistent with disease.

Breakthrough Genomics
Classification: Benign. Review status: criteria provided, single submitter. Criteria: ACMG Guidelines, 2015. Collection method: not provided. Allele origin: germline. Inheritance: Autosomal recessive inheritance. Affected: yes.

PreventionGenetics, part of Exact Sciences
Classification: Benign for TRIP11-related condition. Last evaluated: 2019-07-30. Review status: no assertion criteria provided. Collection method: clinical testing. Allele origin: germline. Not counted in ClinVar's aggregate classification.
Comment: This variant is classified as benign based on ACMG/AMP sequence variant interpretation guidelines (Richards et al. 2015 PMID: 25741868, with internal and published modifications).

NM_004239.4(TRIP11):c.5651A>G (p.His1884Arg)

Gene: TRIP11 (thyroid hormone receptor interactor 11; minus strand). Cytogenetic location: 14q32.12.
Variant type: single nucleotide variant.
Coding change: c.5651A>G on transcript NM_004239.4 (MANE Select); coding-DNA position 5651, A replaced by G.
Protein change: p.His1884Arg; replaces histidine 1884 with arginine.
Molecular consequence: missense variant.
Genome position (GRCh38, 1-based): chr14:91,972,785, T>C on the plus strand (A>G on the coding strand, the complement: TRIP11 is on the minus strand). VCF-style: chr14-91972785-T-C. GRCh37 (hg19) VCF-style: chr14-92439129-T-C.
Other names: c.5648A>G, p.His1883Arg (NM_001321851.1); short protein forms H1884R, H1883R.
Identifiers: ClinVar variation 314929 (VCV000314929.22), dbSNP rs74071672, ClinGen allele CA7313089.